The following is an entry in ClinVar:

NM_001267550.2(TTN):c.46757dup (p.Met15587fs)

Genes: TTN (titin; minus strand), TTN-AS1 (TTN antisense RNA 1; plus strand). Cytogenetic location: 2q31.2.
Variant type: Duplication.
Coding change: c.46757dup on transcript NM_001267550.2 (MANE Select); coding-DNA position 46757, one base duplicated (C; older notation c.46757dupC).
Protein change: p.Met15587fs; shifts the reading frame from methionine 15587.
Molecular consequence: frameshift variant.
Genome position (GRCh38, 1-based): chr2:178,618,793, G duplicated on the plus strand (C on the coding strand, the reverse complement: TTN is on the minus strand). VCF-style (leftmost placement, unchanged base first): chr2-178618792-T-TG. GRCh37 (hg19) VCF-style: chr2-179483519-T-TG.
Other names: c.41834dup, p.Met13946fs (NM_001256850.1); c.19562dup, p.Met6522fs (NM_003319.4); c.39053dup, p.Met13019fs (NM_133378.4); c.19937dup, p.Met6647fs (NM_133432.3); c.20138dup, p.Met6714fs (NM_133437.4); short protein forms M13019fs, M13946fs, M15587fs, M6522fs, M6647fs, M6714fs.
Identifiers: ClinVar variation 1675330 (VCV001675330.7), dbSNP rs2154209914, ClinGen allele CA2573133867.

ClinVar aggregate classification (germline): Likely pathogenic. Review status: criteria provided, multiple submitters, no conflicts (2 of 4 stars). 4 submissions from 4 submitters: Likely pathogenic (4). Last evaluated 2025-06-27.

Conditions:
Tip-toe gait. Also called: Toe walking. Identifiers: MedGen C0427144, HP:0030051.
TTN-related disorder. Also called: TTN-related disorders; TTN-related condition; TTN-related disease.
Dilated cardiomyopathy 1G (CMD1G). Identifiers: Orphanet 154, MedGen C1858763, MONDO:0011400, OMIM 604145.
Autosomal recessive limb-girdle muscular dystrophy type 2J (LGMDR10). Also called: Limb-girdle muscular dystrophy, type 2J; MUSCULAR DYSTROPHY, LIMB-GIRDLE, AUTOSOMAL RECESSIVE 10. Identifiers: Orphanet 140922, MedGen C1837342, MONDO:0012127, OMIM 608807.

Submissions (4):

Labcorp Genetics (formerly Invitae), Labcorp
Classification: Likely pathogenic for Dilated cardiomyopathy 1G; Autosomal recessive limb-girdle muscular dystrophy type 2J. Last evaluated: 2025-06-27. Review status: criteria provided, single submitter. Criteria: Invitae Variant Classification Sherloc (09022015). Collection method: clinical testing. Allele origin: germline.
Comment: This sequence change creates a premature translational stop signal (p.Met15587Asnfs*6) in the TTN gene. While this is not anticipated to result in nonsense mediated decay, it is expected to create a truncated TTN protein. This variant is not present in population databases (gnomAD no frequency). This variant has not been reported in the literature in individuals affected with TTN-related conditions. ClinVar contains an entry for this variant (Variation ID: 1675330). This variant is located in the I band of TTN (PMID: 25589632). Truncating variants in this region have been reported in individuals affected with autosomal recessive centronuclear myopathy (PMID: 23975875, internal data). Truncating variants in this region have also been identified in individuals affected with autosomal dominant dilated cardiomyopathy and/or cardio-related conditions (PMID: 27869827, 32964742, internal data). In summary, the currently available evidence indicates that the variant is pathogenic, but additional data are needed to prove that conclusively. Therefore, this variant has been classified as Likely Pathogenic.

Institute of Immunology and Genetics Kaiserslautern
Classification: Likely pathogenic for Dilated cardiomyopathy 1G. Last evaluated: 2024-10-15. Review status: criteria provided, single submitter. Criteria: ACMG Guidelines, 2015. Collection method: clinical testing. Allele origin: germline. Affected: yes.
Comment: ACMG Criteria: PM2, PVS1; Variant was found in heterozygous state

Blueprint Genetics
Classification: Likely pathogenic for TTN-related disorders. Last evaluated: 2024-09-23. Review status: criteria provided, single submitter. Criteria: ACMG Guidelines, 2015. Collection method: clinical testing. Allele origin: germline. Affected: yes. Observed: 1 variant allele.

Practice for Gait Abnormalities, David Pomarino, Competency Network Toe Walking C/o Practice Pomarino
Classification: Likely pathogenic for Tip-toe gait. Last evaluated: 2022-03-25. Review status: criteria provided, single submitter. Criteria: ACMG Guidelines, 2015. Collection method: clinical testing. Allele origin: germline. Affected: yes.
Comment: Myopathy refers to diseases that affect skeletal Muscles. These diseases attack muscle fibers, making muscles weak. Inherited myopathies are often caused by inheriting an abnormal gene mutation from a parent that causes the disease. Symptoms of congenital myopathies usually start at birth or in early childhood, but may not appear until the teen years or even later in adulthood. Congenital myopathies are somewhat unique compared with other inherited myopathies, as weakness typically affects all muscles and is often not progressive. Symptoms are: Muscle weakness, most commonly of upper arms and shoulders and thighs, muscle cramps, stiffness and spasms, fatigue with exertion and lack of energy. Our patients all walk on tiptoe, so they show similar symptoms. When we genetically test them with our toe walking panel, we find that around 90 per cent of them have a genetic variant that explains their toe walking. These can be assigned, for example, to the area of myopathies (such as variants of the COL6A3 gene), the area of hereditary neuropathies (such as variants of the KMT2C gene) or the area of metabolic diseases (such as variants of the PYGM gene). In a smaller group of patients with almost identical symptoms, no abnormality is found in the genes of our panel, but spastic paraplegia can be detected. In another small group of our toe walkers, no abnormalities can be detected in the genes analysed in our toe walking panel, nor do they suffer from spastic paraplegia, as is also the case with healthy children. In contrast to these, however, they show a tiptoe gait. These patients suffer from infantile cerebral palsy, in which toe walking can also be observed.

Literature cited by the submitters: PubMed 25589632 (cited by Labcorp Genetics (formerly Invitae), Labcorp); PubMed 23975875 (cited by Labcorp Genetics (formerly Invitae), Labcorp); PubMed 27869827 (cited by Labcorp Genetics (formerly Invitae), Labcorp); PubMed 32964742 (cited by Labcorp Genetics (formerly Invitae), Labcorp); PubMed 37091313 (cited by Practice for Gait Abnormalities, David Pomarino, Competency Network Toe Walking C/o Practice Pomarino).